The following is an entry in ClinVar:

NM_012471.3(TRPC5):c.1641C>T (p.Ile547=)

Gene: TRPC5 (transient receptor potential cation channel subfamily C member 5; minus strand). Cytogenetic location: Xq23.
Variant type: single nucleotide variant.
Coding change: c.1641C>T on transcript NM_012471.3 (MANE Select); coding-DNA position 1641, C replaced by T.
Protein change: p.Ile547=; no amino-acid change (isoleucine 547 retained).
Molecular consequence: synonymous variant.
Genome position (GRCh38, 1-based): chrX:111,847,173, G>A on the plus strand (C>T on the coding strand, the complement: TRPC5 is on the minus strand). VCF-style: chrX-111847173-G-A. GRCh37 (hg19) VCF-style: chrX-111090401-G-A.
Identifiers: ClinVar variation 3029148 (VCV003029148.2), dbSNP rs756533089, ClinGen allele CA10494282.

ClinVar aggregate classification (germline): Likely benign (0 of 4 stars; one submission).

Conditions:
TRPC5-related disorder. Also called: TRPC5-related condition.

Allele frequency attached by ClinVar (database versions not stated): ExAC 0.00001; gnomAD exomes 0.00001; gnomAD 0.00003.
gnomAD v4.1: 11 of 1,209,824 alleles (0.00091%); highest among the groups gnomAD compares: African/African-American, 0.0018%; no homozygotes.

Submission:

PreventionGenetics, part of Exact Sciences
Classification: Likely benign for TRPC5-related condition. Last evaluated: 2023-01-09. Review status: no assertion criteria provided. Collection method: clinical testing. Allele origin: germline.
Comment: This variant is classified as likely benign based on ACMG/AMP sequence variant interpretation guidelines (Richards et al. 2015 PMID: 25741868, with internal and published modifications).